The following is an entry in ClinVar:

ClinVar aggregate classification (germline): Pathogenic (1 of 4 stars; one submission).

Conditions:
Hereditary breast ovarian cancer syndrome. Also called: Hereditary breast and ovarian cancer syndrome; Hereditary breast and/or ovarian cancer syndrome; Hereditary breast and ovarian cancer syndrome (HBOC); Hereditary breast and ovarian cancer; Breast and ovarian cancer; BRCA1- and BRCA2-Associated Hereditary Breast and Ovarian Cancer. Identifiers: Orphanet 145, MedGen C0677776, MeSH D061325, MONDO:0003582. Disease mechanism: loss of function.

Submission:

Women's Health and Genetics/Laboratory Corporation of America, LabCorp
Classification: Pathogenic for Hereditary breast and ovarian cancer syndrome. Last evaluated: 2020-04-07. Review status: criteria provided, single submitter. Criteria: LabCorp Variant Classification Summary - May 2015. Collection method: clinical testing. Allele origin: germline.
Comment: Variant summary: The variant identified by MLPA involves the deletion of the entire sequence of the BRCA1 gene. A presumed nomenclature of c.(?_-233)_(*1384_?)del has been designated for the purposes of this classification. This variant has also been reported in the literature as deletion of exons 1-23 or deletion of exons 1-24. Although exact breakpoints of this deletion are not known, large deletions in BRCA1 are a known mechanism of disease. The variant was not found in 21694 individuals in the gnomAD structural variant database. Deletion of the entire BRCA1 gene has been reported in the literature in individuals affected with Hereditary Breast and Ovarian Cancer (e.g. de la Hoya_2006, Blay_2013, Fachal_2014). These data indicate that the variant is likely to be associated with disease. To our knowledge, no experimental evidence demonstrating an impact on protein function has been reported. One ClinVar submitter (evaluation after 2014) cited the variant as pathogenic. Based on the evidence outlined above, the variant was classified as pathogenic.

Literature cited by the submitters: PubMed 23683081; PubMed 22762150; PubMed 16793929; PubMed 24686251.

NC_000017.11:g.(?_43044294)_(43125484_?)del

Gene: BRCA1 (BRCA1 DNA repair associated; minus strand). Cytogenetic location: 17q21.31.
Variant type: Deletion.
Identifiers: ClinVar variation 981999 (VCV000981999.1).